The following is an entry in ClinVar:

NM_000038.6(APC):c.6471A>C (p.Lys2157Asn)

Gene: APC (APC regulator of Wnt signaling pathway; plus strand). Cytogenetic location: 5q22.2.
Variant type: single nucleotide variant.
Coding change: c.6471A>C on transcript NM_000038.6 (MANE Select); coding-DNA position 6471, A replaced by C.
Protein change: p.Lys2157Asn; replaces lysine 2157 with asparagine.
Molecular consequence: missense variant.
Genome position (GRCh38, 1-based): chr5:112,842,065, A>C. VCF-style: chr5-112842065-A-C. GRCh37 (hg19) VCF-style: chr5-112177762-A-C.
Other names: c.6471A>C, p.Lys2157Asn (NM_001127510.3, NM_001354895.2); c.6417A>C, p.Lys2139Asn (NM_001127511.3); c.6525A>C, p.Lys2175Asn (NM_001354896.2); c.6501A>C, p.Lys2167Asn (NM_001354897.2); c.6396A>C, p.Lys2132Asn (NM_001354898.2); c.6387A>C, p.Lys2129Asn (NM_001354899.2); c.6348A>C, p.Lys2116Asn (NM_001354900.2); c.6294A>C, p.Lys2098Asn (NM_001354901.2); and 5 more; short protein forms K1997N, K2098N, K2116N, K2132N, K2056N, K2157N, K2167N, K2175N.
Identifiers: ClinVar variation 1384082 (VCV001384082.8), dbSNP rs1554087444, ClinGen allele CA16035493.
Genomic context (GRCh38, chr5:112,842,065, plus strand): 5'-CCTGAAATCAGGAATCTCTCTGGGATCACCATTTCATCTTACACCTGATCAAGAAGAAAA[A>C]CCCTTTACAAGTAATAAAGGCCCACGAATTCTAAAACCAGGGGAGAAAAGTACATTGGAA-3'
Protein context (NP_000029.2, residues 2147-2167): PFHLTPDQEE[Lys2157Asn]PFTSNKGPRI

ClinVar aggregate classification (germline): Uncertain significance (1 of 4 stars; one submission).

Conditions:
Familial adenomatous polyposis 1 (FAP1). Also called: POLYPOSIS, ADENOMATOUS INTESTINAL; FAMILIAL ADENOMATOUS POLYPOSIS 1, ATTENUATED. Identifiers: MedGen C2713442, MONDO:0021056, OMIM 175100. Disease mechanism: loss of function.

Submission:

Labcorp Genetics (formerly Invitae), Labcorp
Classification: Uncertain significance for Familial adenomatous polyposis 1. Last evaluated: 2021-04-02. Review status: criteria provided, single submitter. Criteria: Invitae Variant Classification Sherloc (09022015). Collection method: clinical testing. Allele origin: germline.
Comment: In summary, the available evidence is currently insufficient to determine the role of this variant in disease. Therefore, it has been classified as a Variant of Uncertain Significance. Algorithms developed to predict the effect of missense changes on protein structure and function are either unavailable or do not agree on the potential impact of this missense change (SIFT: "Tolerated"; PolyPhen-2: "Probably Damaging"; Align-GVGD: "Class C0"). This variant has not been reported in the literature in individuals with APC-related conditions. This variant is not present in population databases (ExAC no frequency). This sequence change replaces lysine with asparagine at codon 2157 of the APC protein (p.Lys2157Asn). The lysine residue is highly conserved and there is a moderate physicochemical difference between lysine and asparagine.